The following is an entry in ClinVar:

ClinVar aggregate classification (germline): Conflicting classifications of pathogenicity. Review status: criteria provided, conflicting classifications (1 of 4 stars). 3 submissions from 3 submitters: Uncertain significance (2); Likely benign (1). Last evaluated 2025-11-18.

Conditions:
Hereditary cancer-predisposing syndrome. Also called: Tumor predisposition; Hereditary Cancer Syndrome; Neoplastic Syndromes, Hereditary; Hereditary neoplastic syndrome. Identifiers: Orphanet 140162, MedGen C0027672, MeSH D009386, MONDO:0015356.
Gorlin syndrome. Also called: Nevoid Basal Cell Carcinoma Syndrome; Basal cell nevus syndrome. Identifiers: Orphanet 377, MedGen C0004779, MONDO:0007187.

gnomAD v4.1: 12 of 1,614,070 alleles (0.00074%); highest among the groups gnomAD compares: Non-Finnish European, 0.001%; no homozygotes.

Submissions (4):

Labcorp Genetics (formerly Invitae), Labcorp
Classification: Uncertain significance for Gorlin syndrome. Last evaluated: 2025-11-18. Review status: criteria provided, single submitter. Criteria: Invitae Variant Classification Sherloc (09022015). Collection method: clinical testing. Allele origin: germline.
Comment: This sequence change replaces glycine, which is neutral and non-polar, with valine, which is neutral and non-polar, at codon 1443 of the PTCH1 protein (p.Gly1443Val). This variant is present in population databases (no rsID available, gnomAD 0.0009%). This variant has not been reported in the literature in individuals affected with PTCH1-related conditions. ClinVar contains an entry for this variant (Variation ID: 219456). Invitae Evidence Modeling of protein sequence and biophysical properties (such as structural, functional, and spatial information, amino acid conservation, physicochemical variation, residue mobility, and thermodynamic stability) indicates that this missense variant is not expected to disrupt PTCH1 protein function with a negative predictive value of 95%. RNA analysis performed to evaluate the impact of this missense change on mRNA splicing indicates it does not significantly alter splicing (internal data). In summary, the available evidence is currently insufficient to determine the role of this variant in disease. Therefore, it has been classified as a Variant of Uncertain Significance.

GeneDx
Classification: Uncertain significance. Last evaluated: 2025-05-20. Review status: criteria provided, single submitter. Criteria: GeneDx Variant Classification Process June 2021. Collection method: clinical testing. Allele origin: germline. Affected: yes.
Comment: Not observed at significant frequency in large population cohorts (gnomAD); In silico analysis suggests that this missense variant does not alter protein structure/function, but splice predictors indicate that the variant may lead to abnormal gene splicing; Has not been previously published as pathogenic or benign to our knowledge

Ambry Genetics
Classification: Likely benign for Hereditary cancer-predisposing syndrome. Last evaluated: 2023-03-08. Review status: criteria provided, single submitter. Criteria: Ambry Variant Classification Scheme 2023. Collection method: clinical testing. Allele origin: germline.

Dr. Peter K. Rogan Lab, Western University
No classification provided (evidence only). Condition: Melanoma. Review status: no classification provided. Collection method: in vitro. Allele origin: not applicable. Functional consequence: retained intron. Not counted in ClinVar's aggregate classification.

NM_000264.5(PTCH1):c.4328G>T (p.Gly1443Val)

Gene: PTCH1 (patched 1; minus strand). Cytogenetic location: 9q22.32.
Variant type: single nucleotide variant.
Coding change: c.4328G>T on transcript NM_000264.5 (MANE Select); coding-DNA position 4328, G replaced by T.
Protein change: p.Gly1443Val; replaces glycine 1443 with valine.
Molecular consequence: missense variant. On other transcripts: non-coding transcript variant (1).
Genome position (GRCh38, 1-based): chr9:95,446,928, C>A on the plus strand (G>T on the coding strand, the complement: PTCH1 is on the minus strand). VCF-style: chr9-95446928-C-A. GRCh37 (hg19) VCF-style: chr9-98209210-C-A.
Other names: c.4130G>T, p.Gly1377Val (NM_001083602.3); c.4325G>T, p.Gly1442Val (NM_001083603.3); c.3875G>T, p.Gly1292Val (NM_001083604.3, NM_001083605.3, NM_001083606.3 and 1 more transcripts); c.4172G>T, p.Gly1391Val (NM_001354918.2); short protein forms G1377V, G1443V, G1442V, G1292V, G1391V.
Identifiers: ClinVar variation 219456 (VCV000219456.14), dbSNP rs864622100, ClinGen allele CA347977.